The following is an entry in ClinVar:

NM_006904.7(PRKDC):c.3127C>A (p.Gln1043Lys)

Gene: PRKDC (protein kinase, DNA-activated, catalytic subunit; minus strand). Cytogenetic location: 8q11.21.
Variant type: single nucleotide variant.
Coding change: c.3127C>A on transcript NM_006904.7 (MANE Select); coding-DNA position 3127, C replaced by A.
Protein change: p.Gln1043Lys; replaces glutamine 1043 with lysine.
Molecular consequence: missense variant.
Genome position (GRCh38, 1-based): chr8:47,902,711, G>T on the plus strand (C>A on the coding strand, the complement: PRKDC is on the minus strand). VCF-style: chr8-47902711-G-T. GRCh37 (hg19) VCF-style: chr8-48815271-G-T.
Other names: c.3127C>A, p.Gln1043Lys (NM_001081640.2); short protein forms Q1043K.
Identifiers: ClinVar variation 1727907 (VCV001727907.2), dbSNP rs2551875585, ClinGen allele CA371156981.

ClinVar aggregate classification (germline): Uncertain significance (1 of 4 stars; one submission).

Submission:

Ambry Genetics
Classification: Uncertain significance. Last evaluated: 2021-12-10. Review status: criteria provided, single submitter. Criteria: Ambry Variant Classification Scheme 2023. Collection method: clinical testing. Allele origin: germline.
Comment: The p.Q1043K variant (also known as c.3127C>A), located in coding exon 27 of the PRKDC gene, results from a C to A substitution at nucleotide position 3127. The glutamine at codon 1043 is replaced by lysine, an amino acid with similar properties. This amino acid position is conserved. In addition, the in silico prediction for this alteration is inconclusive. Since supporting evidence is limited at this time, the clinical significance of this alteration remains unclear.